The following is an entry in ClinVar:

NM_000533.5(PLP1):c.103T>C (p.Cys35Arg)

Genes: PLP1 (proteolipid protein 1; plus strand), RAB9B (RAB9B, member RAS oncogene family; minus strand). Cytogenetic location: Xq22.2.
Variant type: single nucleotide variant.
Coding change: c.103T>C on transcript NM_000533.5 (MANE Select); coding-DNA position 103, T replaced by C.
Protein change: p.Cys35Arg; replaces cysteine 35 with arginine.
Molecular consequence: missense variant. On other transcripts: intron variant (1).
Genome position (GRCh38, 1-based): chrX:103,785,680, T>C. VCF-style: chrX-103785680-T-C. GRCh37 (hg19) VCF-style: chrX-103040609-T-C.
Other names: c.103T>C, p.Cys35Arg (NM_001128834.3, NM_199478.3); c.5-67T>C (NM_001305004.1); short protein forms C35R.
Identifiers: ClinVar variation 3255403 (VCV003255403.2), dbSNP rs2522301460.

ClinVar aggregate classification (germline): Likely pathogenic (1 of 4 stars; one submission).

Conditions:
Pelizaeus-Merzbacher disease. Also called: LEUKODYSTROPHY, HYPOMYELINATING, 1; Sudanophilic leukodystrophy; Pelizaeus-Merzbacher spectrum disorder; Pelizaeus-Merzbacher Disease (PMD); Pelizeaus-Merzbacher spectrum disorder. Identifiers: Orphanet 702, MedGen C0205711, MONDO:0010714, OMIM 312080, HP:0003269.

Submission:

Molecular Diagnostics Lab, Nemours Children's Health, Delaware
Classification: Likely pathogenic for Pelizaeus-Merzbacher disease. Last evaluated: 2021-02-16. Review status: criteria provided, single submitter. Criteria: ACMG Guidelines, 2015. Collection method: clinical testing. Allele origin: unknown. Inheritance: X-linked inheritance. Affected: yes. Observed: 1 hemizygote.
Comment: This missense variant (c.103T>C, p.Cys35Arg) has not been observed in population databases (gnomAD). It has been described in the literature (PMID 1572223). Variant prediction programs suggest a deleterious effect on the PLP1 protein, but no functional studies have been published.

Literature cited by the submitters: PubMed 15712223.